The following is an entry in ClinVar:

NM_177438.3(DICER1):c.3512A>G (p.Asp1171Gly)

Gene: DICER1 (dicer 1, ribonuclease III; minus strand). Cytogenetic location: 14q32.13.
Variant type: single nucleotide variant.
Coding change: c.3512A>G on transcript NM_177438.3 (MANE Select); coding-DNA position 3512, A replaced by G.
Protein change: p.Asp1171Gly; replaces aspartic acid 1171 with glycine.
Molecular consequence: missense variant.
Genome position (GRCh38, 1-based): chr14:95,103,884, T>C on the plus strand (A>G on the coding strand, the complement: DICER1 is on the minus strand). VCF-style: chr14-95103884-T-C. GRCh37 (hg19) VCF-style: chr14-95570221-T-C.
Other names: c.3512A>G (NM_177438.2); c.3512A>G, p.Asp1171Gly (NM_001195573.1, NM_001271282.3, NM_001291628.2 and 1 more transcripts); short protein forms D1171G.
Identifiers: ClinVar variation 1443119 (VCV001443119.9), dbSNP rs953998753, ClinGen allele CA265906144.
Genomic context (GRCh38, chr14:95,103,884, plus strand): 5'-AAATCATAACTGCCATTGGCGAGATTTTGATTGTAAGAAAGACCATTAATTGCTGTAAGA[T>C]CTGCTGAAACTTCAACGTGGAGCTTACCAGGGGACTCGCTGAGCAACGTTCTGCAGTTCA-3'
Protein context (NP_803187.1, residues 1161-1181): PGKLHVEVSA[Asp1171Gly]LTAINGLSYN

ClinVar aggregate classification (germline): Uncertain significance. Review status: criteria provided, multiple submitters, no conflicts (2 of 4 stars). 3 submissions from 3 submitters: Uncertain significance (3). Last evaluated 2026-02-03.

Conditions:
Global developmental delay - lung cysts - overgrowth - Wilms tumor syndrome. Also called: GLOW Syndrome; GLOBAL DEVELOPMENTAL DELAY, LUNG CYSTS, OVERGROWTH, AND WILMS TUMOR. Identifiers: Orphanet 404476, MedGen C4748924, MONDO:0018445, OMIM 618272.
DICER1-related tumor predisposition. Also called: DICER1 syndrome; DICER1-related pleuropulmonary blastoma cancer predisposition syndrome. Identifiers: Orphanet 284343, MedGen C3839822, MONDO:0100216.
Hereditary cancer-predisposing syndrome. Also called: Tumor predisposition; Hereditary neoplastic syndrome; Hereditary Cancer Syndrome; Neoplastic Syndromes, Hereditary. Identifiers: Orphanet 140162, MedGen C0027672, MeSH D009386, MONDO:0015356.

Allele frequency attached by ClinVar (database versions not stated): gnomAD exomes below 0.00001.
gnomAD v4.1: 1 of 1,614,194 alleles (0.000062%); highest among the groups gnomAD compares: Non-Finnish European, 0.000085%; no homozygotes.

Submissions (3):

Labcorp Genetics (formerly Invitae), Labcorp
Classification: Uncertain significance for DICER1-related tumor predisposition. Last evaluated: 2026-02-03. Review status: criteria provided, single submitter. Criteria: Invitae Variant Classification Sherloc (09022015). Collection method: clinical testing. Allele origin: germline.
Comment: This sequence change replaces aspartic acid, which is acidic and polar, with glycine, which is neutral and non-polar, at codon 1171 of the DICER1 protein (p.Asp1171Gly). This variant is not present in population databases (gnomAD no frequency). This variant has not been reported in the literature in individuals affected with DICER1-related conditions. ClinVar contains an entry for this variant (Variation ID: 1443119). Invitae Evidence Modeling of protein sequence and biophysical properties (such as structural, functional, and spatial information, amino acid conservation, physicochemical variation, residue mobility, and thermodynamic stability) indicates that this missense variant is not expected to disrupt DICER1 protein function with a negative predictive value of 95%. In summary, the available evidence is currently insufficient to determine the role of this variant in disease. Therefore, it has been classified as a Variant of Uncertain Significance.

Ambry Genetics
Classification: Uncertain significance for Hereditary cancer-predisposing syndrome. Last evaluated: 2025-07-13. Review status: criteria provided, single submitter. Criteria: Ambry Variant Classification Scheme 2023. Collection method: clinical testing. Allele origin: germline.
Comment: The p.D1171G variant (also known as c.3512A>G), located in coding exon 20 of the DICER1 gene, results from an A to G substitution at nucleotide position 3512. The aspartic acid at codon 1171 is replaced by glycine, an amino acid with similar properties. This amino acid position is conserved. In addition, this alteration is predicted to be tolerated by in silico analysis. Based on the available evidence, the clinical significance of this variant remains unclear.

Baylor Genetics
Classification: Uncertain significance for Global developmental delay - lung cysts - overgrowth - Wilms tumor syndrome. Last evaluated: 2024-01-04. Review status: criteria provided, single submitter. Criteria: ACMG Guidelines, 2015. Collection method: clinical testing. Allele origin: unknown.